The following is an entry in ClinVar:

ClinVar aggregate classification (germline): Uncertain significance (1 of 4 stars; one submission).

Conditions:
Hereditary spastic paraplegia 11. Also called: Spastic Paraplegia 11; Spastic paraplegia, mental retardation and thin corpus callosum; Nakamura Osame syndrome; Autosomal recessive hereditary spastic paraplegia, mental impairment, and thin corpus callosum; SPASTIC PARAPLEGIA, AUTOSOMAL RECESSIVE, COMPLICATED, WITH THIN CORPUS CALLOSUM; SPASTIC PARAPLEGIA, AUTOSOMAL RECESSIVE, WITH MENTAL IMPAIRMENT AND THIN CORPUS CALLOSUM. Identifiers: Orphanet 2822, MedGen C1858479, MONDO:0011445, OMIM 604360.

Submission:

Labcorp Genetics (formerly Invitae), Labcorp
Classification: Uncertain significance for Hereditary spastic paraplegia 11. Last evaluated: 2024-04-18. Review status: criteria provided, single submitter. Criteria: Invitae Variant Classification Sherloc (09022015). Collection method: clinical testing. Allele origin: germline.
Comment: This sequence change replaces glutamic acid, which is acidic and polar, with lysine, which is basic and polar, at codon 1943 of the SPG11 protein (p.Glu1943Lys). This variant is not present in population databases (gnomAD no frequency). This variant has not been reported in the literature in individuals affected with SPG11-related conditions. ClinVar contains an entry for this variant (Variation ID: 2112667). An algorithm developed to predict the effect of missense changes on protein structure and function (PolyPhen-2) suggests that this variant is likely to be tolerated. In summary, the available evidence is currently insufficient to determine the role of this variant in disease. Therefore, it has been classified as a Variant of Uncertain Significance.

NM_025137.4(SPG11):c.5827G>A (p.Glu1943Lys)

Gene: SPG11 (SPG11 vesicle trafficking associated, spatacsin; minus strand). Cytogenetic location: 15q21.1.
Variant type: single nucleotide variant.
Coding change: c.5827G>A on transcript NM_025137.4 (MANE Select); coding-DNA position 5827, G replaced by A.
Protein change: p.Glu1943Lys; replaces glutamic acid 1943 with lysine.
Molecular consequence: missense variant.
Genome position (GRCh38, 1-based): chr15:44,583,853, C>T on the plus strand (G>A on the coding strand, the complement: SPG11 is on the minus strand). VCF-style: chr15-44583853-C-T. GRCh37 (hg19) VCF-style: chr15-44876051-C-T.
Other names: c.5827G>A, p.Glu1943Lys (NM_001160227.2); c.5683G>A, p.Glu1895Lys (NM_001411132.1); short protein forms E1895K, E1943K.
Identifiers: ClinVar variation 2112667 (VCV002112667.4), dbSNP rs2505289376, ClinGen allele CA392220949.